The following is an entry in ClinVar:

NM_001394998.1(TANC2):c.5737A>G (p.Thr1913Ala)

Gene: TANC2 (tetratricopeptide repeat, ankyrin repeat and coiled-coil containing 2; plus strand). Cytogenetic location: 17q23.3.
Variant type: single nucleotide variant.
Coding change: c.5737A>G on transcript NM_001394998.1 (MANE Select); coding-DNA position 5737, A replaced by G.
Protein change: p.Thr1913Ala; replaces threonine 1913 with alanine.
Molecular consequence: missense variant.
Genome position (GRCh38, 1-based): chr17:63,421,467, A>G. VCF-style: chr17-63421467-A-G. GRCh37 (hg19) VCF-style: chr17-61498828-A-G.
Other names: c.5515A>G, p.Thr1839Ala (NM_001411076.1); c.5485A>G, p.Thr1829Ala (NM_025185.4); short protein forms T1829A, T1839A, T1913A.
Identifiers: ClinVar variation 2429482 (VCV002429482.1), dbSNP rs2510609317, ClinGen allele CA400547275.
Genomic context (GRCh38, chr17:63,421,467, plus strand): 5'-GAGATCCCACTGAAACCTGCATATGAGAGGTCATGTGACGAGCTGTCGCCAGTGTCTCCA[A>G]CTCAAGGAGGTTACCCCAGTGAGCCCACCCGATCCAGGACCACACCATTCATGGGGATCA-3'
Protein context (NP_001381927.1, residues 1903-1923): SCDELSPVSP[Thr1913Ala]QGGYPSEPTR

ClinVar aggregate classification (germline): Uncertain significance (1 of 4 stars; one submission).

Submission:

GeneDx
Classification: Uncertain significance. Last evaluated: 2022-08-12. Review status: criteria provided, single submitter. Criteria: GeneDx Variant Classification Process June 2021. Collection method: clinical testing. Allele origin: germline. Affected: yes.
Comment: Not observed at significant frequency in large population cohorts (gnomAD); In silico analysis supports that this missense variant does not alter protein structure/function; Has not been previously published as pathogenic or benign to our knowledge